The following is an entry in ClinVar:

NM_006996.3(SLC19A2):c.242dup (p.Tyr81Ter)

Gene: SLC19A2 (solute carrier family 19 member 2; minus strand). Cytogenetic location: 1q24.2.
Variant type: Duplication.
Coding change: c.242dup on transcript NM_006996.3 (MANE Select); coding-DNA position 242, one base duplicated (A; older notation c.242dupA).
Protein change: p.Tyr81Ter; replaces tyrosine 81 with a stop codon.
Molecular consequence: nonsense. On other transcripts: intron variant (1).
Genome position (GRCh38, 1-based): chr1:169,477,720, T duplicated on the plus strand (A on the coding strand, the reverse complement: SLC19A2 is on the minus strand). VCF-style (leftmost placement, unchanged base first): chr1-169477719-G-GT. GRCh37 (hg19) VCF-style: chr1-169446957-G-GT.
Other names: c.205-7534dup (NM_001319667.1); short protein forms Y81*.
Identifiers: ClinVar variation 5961 (VCV000005961.8), dbSNP rs752104654, ClinGen allele CA1233105.

ClinVar aggregate classification (germline): Pathogenic. Review status: criteria provided, multiple submitters, no conflicts (2 of 4 stars). 6 submissions from 6 submitters: Pathogenic (4). 2 of the submissions do not count toward it. Last evaluated 2025-10-27.

Conditions:
SLC19A2-related disorder. Also called: SLC19A2-related condition.
Megaloblastic anemia, thiamine-responsive, with diabetes mellitus and sensorineural deafness (TRMA). Also called: Thiamine-Responsive Megaloblastic Anemia Syndrome; ROGERS SYNDROME; THIAMINE-RESPONSIVE ANEMIA SYNDROME; THIAMINE-RESPONSIVE MYELODYSPLASIA; THIAMINE METABOLISM DYSFUNCTION SYNDROME 1 (MEGALOBLASTIC ANEMIA, DIABETES MELLITUS, AND DEAFNESS TYPE). Identifiers: Orphanet 49827, MedGen C0342287, MONDO:0009575, OMIM 249270.

Allele frequency attached by ClinVar (database versions not stated): gnomAD exomes below 0.00001 and 0.00002; ExAC 0.00001; TOPMed 0.00001.

Submissions (6):

Labcorp Genetics (formerly Invitae), Labcorp
Classification: Pathogenic. Last evaluated: 2025-10-27. Review status: criteria provided, single submitter. Criteria: Invitae Variant Classification Sherloc (09022015). Collection method: clinical testing. Allele origin: germline.
Comment: This sequence change creates a premature translational stop signal (p.Tyr81*) in the SLC19A2 gene. It is expected to result in an absent or disrupted protein product. Loss-of-function variants in SLC19A2 are known to be pathogenic (PMID: 10391221, 10391223, 10874303). This variant is present in population databases (rs752104654, gnomAD 0.007%). This premature translational stop signal has been observed in individuals with SLC19A2-related conditions (PMID: 10391223, 10874303, 33409956). It has also been observed to segregate with disease in related individuals. ClinVar contains an entry for this variant (Variation ID: 5961). For these reasons, this variant has been classified as Pathogenic.

PreventionGenetics, part of Exact Sciences
Classification: Pathogenic for SLC19A2-related condition. Last evaluated: 2025-03-20. Review status: criteria provided, single submitter. Criteria: ACMG Guidelines, 2015. Collection method: clinical testing. Allele origin: germline.
Comment: The SLC19A2 c.242dupA variant is predicted to result in premature protein termination (p.Tyr81*). This variant has been reported in the homozygous and compound heterozygous states in individuals with thiamine responsive megaloblastic anemia and has been shown to segregate with disease (Diaz et al. 1999. PubMed ID: 10391223; Raz et al. 2000. PubMed ID: 10874303; Katipoğlu et al. 2017. PubMed ID: 28504500; Karali et al. 2022. PubMed ID: 36460718). It has also been reported in the compound heterozygous state in individuals with permanent neonatal diabetes-thiamine responsive megaloblastic anemia (Nayak et al. 2021. PubMed ID: 33409956). This variant is reported in 0.0065% of alleles in individuals of South Asian descent in gnomAD. Nonsense variants in SLC19A2 are expected to be pathogenic. This variant is interpreted as pathogenic.

Fulgent Genetics
Classification: Pathogenic for Megaloblastic anemia, thiamine-responsive, with diabetes mellitus and sensorineural deafness. Last evaluated: 2024-03-26. Review status: criteria provided, single submitter. Criteria: ACMG Guidelines, 2015. Collection method: clinical testing. Allele origin: germline.

Blueprint Genetics
Classification: Pathogenic for SLC19A2-related disorders. Last evaluated: 2023-04-25. Review status: criteria provided, single submitter. Criteria: ACMG Guidelines, 2015. Collection method: clinical testing. Allele origin: germline. Affected: yes. Observed: 5 variant alleles.

Hong-Tao Li Lab, Institute of Brain Science and Brain-inspired Research, Shandong First Medical University & Shandong Academy of Medical Sciences China
Classification: Pathogenic for Thiamine-responsive megaloblastic anemia syndrome. Last evaluated: 2026-06-28. Review status: no assertion criteria provided. Collection method: research. Allele origin: germline. Inheritance: Autosomal recessive inheritance. Affected: yes. Observed: 1 variant allele, 1 homozygote. Not counted in ClinVar's aggregate classification.

OMIM
Classification: Pathogenic for THIAMINE-RESPONSIVE MEGALOBLASTIC ANEMIA SYNDROME. Last evaluated: 1999-07-01. Review status: no assertion criteria provided. Collection method: literature only. Allele origin: germline. Not counted in ClinVar's aggregate classification.

Literature cited by the submitters: PubMed 10391221 (cited by Labcorp Genetics (formerly Invitae), Labcorp); PubMed 10391223 (cited by Labcorp Genetics (formerly Invitae), Labcorp and OMIM); PubMed 10874303 (cited by Labcorp Genetics (formerly Invitae), Labcorp); PubMed 33409956 (cited by Labcorp Genetics (formerly Invitae), Labcorp).